The following is an entry in ClinVar:

NM_002755.4(MAP2K1):c.533C>T (p.Thr178Ile)

Gene: MAP2K1 (mitogen-activated protein kinase kinase 1; plus strand). Cytogenetic location: 15q22.31.
Variant type: single nucleotide variant.
Coding change: c.533C>T on transcript NM_002755.4 (MANE Select); coding-DNA position 533, C replaced by T.
Protein change: p.Thr178Ile; replaces threonine 178 with isoleucine.
Molecular consequence: missense variant.
Genome position (GRCh38, 1-based): chr15:66,444,672, C>T. VCF-style: chr15-66444672-C-T. GRCh37 (hg19) VCF-style: chr15-66737010-C-T.
Other names: c.389C>T, p.Thr130Ile (NM_001411065.1); short protein forms T130I, T178I.
Identifiers: ClinVar variation 4805306 (VCV004805306.1).

ClinVar aggregate classification (germline): Uncertain significance (1 of 4 stars; one submission).

Conditions:
RASopathy. Also called: Noonan spectrum disorder; rasopathies. Identifiers: Orphanet 536391, MedGen C5555857, MONDO:0021060.

Submission:

Labcorp Genetics (formerly Invitae), Labcorp
Classification: Uncertain significance for RASopathy. Last evaluated: 2026-01-08. Review status: criteria provided, single submitter. Criteria: Invitae Variant Classification Sherloc (09022015). Collection method: clinical testing. Allele origin: germline.
Comment: This sequence change replaces threonine, which is neutral and polar, with isoleucine, which is neutral and non-polar, at codon 178 of the MAP2K1 protein (p.Thr178Ile). This variant is not present in population databases (gnomAD no frequency). This variant has not been reported in the literature in individuals affected with MAP2K1-related conditions. Invitae Evidence Modeling of protein sequence and biophysical properties (such as structural, functional, and spatial information, amino acid conservation, physicochemical variation, residue mobility, and thermodynamic stability) indicates that this missense variant is not expected to disrupt MAP2K1 protein function with a negative predictive value of 95%. In summary, the available evidence is currently insufficient to determine the role of this variant in disease. Therefore, it has been classified as a Variant of Uncertain Significance.